The following is an entry in ClinVar:

ClinVar aggregate classification (germline): Uncertain significance (1 of 4 stars; one submission).

Submission:

Labcorp Genetics (formerly Invitae), Labcorp
Classification: Uncertain significance. Last evaluated: 2025-05-12. Review status: criteria provided, single submitter. Criteria: Invitae Variant Classification Sherloc (09022015). Collection method: clinical testing. Allele origin: germline.
Comment: This sequence change replaces aspartic acid, which is acidic and polar, with glycine, which is neutral and non-polar, at codon 150 of the OSTM1 protein (p.Asp150Gly). This variant is not present in population databases (gnomAD no frequency). This variant has not been reported in the literature in individuals affected with OSTM1-related conditions. Invitae Evidence Modeling of protein sequence and biophysical properties (such as structural, functional, and spatial information, amino acid conservation, physicochemical variation, residue mobility, and thermodynamic stability) indicates that this missense variant is expected to disrupt OSTM1 protein function with a positive predictive value of 80%. In summary, the available evidence is currently insufficient to determine the role of this variant in disease. Therefore, it has been classified as a Variant of Uncertain Significance.

NM_014028.4(OSTM1):c.449A>G (p.Asp150Gly)

Gene: OSTM1 (osteoclastogenesis associated transmembrane protein 1; minus strand). Cytogenetic location: 6q21.
Variant type: single nucleotide variant.
Coding change: c.449A>G on transcript NM_014028.4 (MANE Select); coding-DNA position 449, A replaced by G.
Protein change: p.Asp150Gly; replaces aspartic acid 150 with glycine.
Molecular consequence: missense variant.
Genome position (GRCh38, 1-based): chr6:108,064,253, T>C on the plus strand (A>G on the coding strand, the complement: OSTM1 is on the minus strand). VCF-style: chr6-108064253-T-C. GRCh37 (hg19) VCF-style: chr6-108385457-T-C.
Other names: short protein forms D150G.
Identifiers: ClinVar variation 4746492 (VCV004746492.1).